The following is an entry in ClinVar:

ClinVar aggregate classification (germline): Uncertain significance. Review status: criteria provided, multiple submitters, no conflicts (2 of 4 stars). 3 submissions from 3 submitters: Uncertain significance (3). Last evaluated 2025-10-10.

Conditions:
Cardiovascular phenotype. Identifiers: MedGen CN230736.

gnomAD v4.1: 15 of 1,612,792 alleles (0.00093%); highest among the groups gnomAD compares: Admixed American, 0.015%; no homozygotes.

Submissions (3):

Women's Health and Genetics/Laboratory Corporation of America, LabCorp
Classification: Uncertain significance. Last evaluated: 2025-10-10. Review status: criteria provided, single submitter. Criteria: LabCorp Variant Classification Summary - May 2015. Collection method: clinical testing. Allele origin: germline.
Comment: Variant summary: TNXB c.5786G>A (p.Gly1929Asp) results in a non-conservative amino acid change in the encoded protein sequence. Algorithms developed to predict the effect of missense changes on protein structure and function are either unavailable or do not agree on the potential impact of this missense change. The variant allele was found at a frequency of 1.2e-05 in 244414 control chromosomes. The available data on variant occurrences in the general population are insufficient to allow any conclusion about variant significance. To our knowledge, no occurrence of c.5786G>A in individuals affected with TNXB-related conditions and no experimental evidence demonstrating its impact on protein function have been reported. ClinVar contains an entry for this variant (Variation ID: 3340885). Based on the evidence outlined above, the variant was classified as uncertain significance.

Ambry Genetics
Classification: Uncertain significance for Cardiovascular phenotype. Last evaluated: 2024-10-08. Review status: criteria provided, single submitter. Criteria: Ambry Variant Classification Scheme 2023. Collection method: clinical testing. Allele origin: germline.
Comment: The p.G1929D variant (also known as c.5786G>A), located in coding exon 15 of the TNXB gene, results from a G to A substitution at nucleotide position 5786. The glycine at codon 1929 is replaced by aspartic acid, an amino acid with similar properties. This amino acid position is conserved. In addition, the in silico prediction for this alteration is inconclusive. Based on the available evidence, the clinical significance of this variant remains unclear.

GeneDx
Classification: Uncertain significance. Last evaluated: 2024-01-23. Review status: criteria provided, single submitter. Criteria: GeneDx Variant Classification Process June 2021. Collection method: clinical testing. Allele origin: germline. Affected: yes.
Comment: Not observed at significant frequency in large population cohorts (gnomAD); In silico analysis supports that this missense variant has a deleterious effect on protein structure/function; Has not been previously published as pathogenic or benign to our knowledge

NM_001365276.2(TNXB):c.5786G>A (p.Gly1929Asp)

Gene: TNXB (tenascin XB; minus strand). Cytogenetic location: 6p21.33.
Variant type: single nucleotide variant.
Coding change: c.5786G>A on transcript NM_001365276.2 (MANE Select); coding-DNA position 5786, G replaced by A.
Protein change: p.Gly1929Asp; replaces glycine 1929 with aspartic acid.
Molecular consequence: missense variant.
Genome position (GRCh38, 1-based): chr6:32,068,938, C>T on the plus strand (G>A on the coding strand, the complement: TNXB is on the minus strand). VCF-style: chr6-32068938-C-T. GRCh37 (hg19) VCF-style: chr6-32036715-C-T.
Other names: c.6527G>A, p.Gly2176Asp (NM_001428335.1); c.5786G>A, p.Gly1929Asp (NM_019105.8); short protein forms G1929D, G2176D.
Identifiers: ClinVar variation 3340885 (VCV003340885.3).